The following is an entry in ClinVar:

ClinVar aggregate classification (germline): Uncertain significance. Review status: criteria provided, multiple submitters, no conflicts (2 of 4 stars). 4 submissions from 4 submitters: Uncertain significance (4). Last evaluated 2025-12-08.

Conditions:
Catecholaminergic polymorphic ventricular tachycardia (CVPT). Also called: Catecholamine-induced polymorphic ventricular tachycardia. Identifiers: Orphanet 3286, MedGen C5574922, MONDO:0017990.
Catecholaminergic polymorphic ventricular tachycardia 1. Also called: VENTRICULAR TACHYCARDIA, CATECHOLAMINERGIC POLYMORPHIC, 1, WITH OR WITHOUT ATRIAL DYSFUNCTION AND/OR DILATED CARDIOMYOPATHY; VENTRICULAR TACHYCARDIA, STRESS-INDUCED POLYMORPHIC 1; RYR2-Related Catecholaminergic Polymorphic Ventricular Tachycardia. Identifiers: Orphanet 3286, MedGen C1631597, MONDO:0011484, OMIM 604772.
Cardiomyopathy (CMYO). Also called: Cardiomyopathies. Identifiers: Orphanet 167848, MedGen C0878544, MONDO:0004994, HP:0001638. Inheritance: Various modes of inheritance.
Arrhythmogenic right ventricular dysplasia 2. Identifiers: MedGen C1832931.
Ventricular arrhythmias due to cardiac ryanodine receptor calcium release deficiency syndrome. Also called: Autosomal dominant cardiac arrhythmia (Kuhn). Identifiers: MedGen C5542154, MONDO:0020745, OMIM 115000.

Allele frequency attached by ClinVar (database versions not stated): gnomAD exomes below 0.00001; TOPMed below 0.00001; gnomAD 0.00001.
gnomAD v4.1: 2 of 1,613,852 alleles (0.00012%); highest among the groups gnomAD compares: Non-Finnish European, 0.00017%; no homozygotes.

Submissions (4):

Labcorp Genetics (formerly Invitae), Labcorp
Classification: Uncertain significance for Catecholaminergic polymorphic ventricular tachycardia 1. Last evaluated: 2025-12-08. Review status: criteria provided, single submitter. Criteria: Invitae Variant Classification Sherloc (09022015). Collection method: clinical testing. Allele origin: germline.
Comment: This sequence change replaces lysine, which is basic and polar, with asparagine, which is neutral and polar, at codon 2283 of the RYR2 protein (p.Lys2283Asn). This variant is not present in population databases (gnomAD no frequency). This variant has not been reported in the literature in individuals affected with RYR2-related conditions. ClinVar contains an entry for this variant (Variation ID: 926033). Invitae Evidence Modeling of protein sequence and biophysical properties (such as structural, functional, and spatial information, amino acid conservation, physicochemical variation, residue mobility, and thermodynamic stability) has been performed for this missense variant. However, the output from this modeling did not meet the statistical confidence thresholds required to predict the impact of this variant on RYR2 protein function. In summary, the available evidence is currently insufficient to determine the role of this variant in disease. Therefore, it has been classified as a Variant of Uncertain Significance.

All of Us Research Program, National Institutes of Health
Classification: Uncertain significance for Catecholaminergic polymorphic ventricular tachycardia. Last evaluated: 2024-04-16. Review status: criteria provided, single submitter. Criteria: ACMG Guidelines, 2015. Collection method: clinical testing. Allele origin: germline. Inheritance: Autosomal dominant inheritance. Observed: 1 variant allele, 1 heterozygote.
Comment: This missense variant replaces lysine with asparagine at codon 2283 of the RYR2 protein. Computational prediction suggests that this variant may not impact protein structure and function (internally defined REVEL score threshold <= 0.5, PMID: 27666373). Splice site prediction tools suggest that this variant may not impact RNA splicing. To our knowledge, functional studies have not been reported for this variant. This variant has not been reported in individuals affected with cardiovascular disorders in the literature. This variant has been identified in 1/249272 chromosomes in the general population by the Genome Aggregation Database (gnomAD). The available evidence is insufficient to determine the role of this variant in disease conclusively. Therefore, this variant is classified as a Variant of Uncertain Significance.

This study involves interpretation of variants in research participants for the purpose of population health screening. Participant phenotype was not available at the time of variant classification. Additional details can be found in publication PMID: 35346344, PMCID: PMC8962531

Color Diagnostics, LLC DBA Color Health
Classification: Uncertain significance for Cardiomyopathy. Last evaluated: 2024-03-06. Review status: criteria provided, single submitter. Criteria: ACMG Guidelines, 2015. Collection method: clinical testing. Allele origin: germline.
Comment: This missense variant replaces lysine with asparagine at codon 2283 of the RYR2 protein. Computational prediction suggests that this variant may not impact protein structure and function (internally defined REVEL score threshold <= 0.5, PMID: 27666373). Splice site prediction tools suggest that this variant may not impact RNA splicing. To our knowledge, functional studies have not been reported for this variant. This variant has not been reported in individuals affected with cardiovascular disorders in the literature. This variant has been identified in 1/249272 chromosomes in the general population by the Genome Aggregation Database (gnomAD). The available evidence is insufficient to determine the role of this variant in disease conclusively. Therefore, this variant is classified as a Variant of Uncertain Significance.

Fulgent Genetics
Classification: Uncertain significance for Ventricular arrhythmias due to cardiac ryanodine receptor calcium release deficiency syndrome; Catecholaminergic polymorphic ventricular tachycardia 1. Last evaluated: 2021-07-20. Review status: criteria provided, single submitter. Criteria: ACMG Guidelines, 2015. Collection method: clinical testing. Allele origin: unknown.

NM_001035.3(RYR2):c.6849G>C (p.Lys2283Asn)

Gene: RYR2 (ryanodine receptor 2; plus strand). Cytogenetic location: 1q43.
Variant type: single nucleotide variant.
Coding change: c.6849G>C on transcript NM_001035.3 (MANE Select); coding-DNA position 6849, G replaced by C.
Protein change: p.Lys2283Asn; replaces lysine 2283 with asparagine.
Molecular consequence: missense variant.
Genome position (GRCh38, 1-based): chr1:237,638,413, G>C. VCF-style: chr1-237638413-G-C. GRCh37 (hg19) VCF-style: chr1-237801713-G-C.
Other names: short protein forms K2283N.
Identifiers: ClinVar variation 926033 (VCV000926033.7), dbSNP rs1558114884, ClinGen allele CA345395537.